The following is an entry in ClinVar:

NM_007175.8(ERLIN2):c.696G>A (p.Lys232=)

Gene: ERLIN2 (ER lipid raft associated 2; plus strand). Cytogenetic location: 8p11.23.
Variant type: single nucleotide variant.
Coding change: c.696G>A on transcript NM_007175.8 (MANE Select); coding-DNA position 696, G replaced by A.
Protein change: p.Lys232=; no amino-acid change (lysine 232 retained).
Molecular consequence: synonymous variant.
Genome position (GRCh38, 1-based): chr8:37,751,672, G>A. VCF-style: chr8-37751672-G-A. GRCh37 (hg19) VCF-style: chr8-37609190-G-A.
Other names: p.Lys232=; c.696G>A, p.Lys232= (NM_001362878.2).
Identifiers: ClinVar variation 129022 (VCV000129022.55), dbSNP rs138164407, ClinGen allele CA152800.
Genomic context (GRCh38, chr8:37,751,672, plus strand): 5'-TATCATTTATTCAGAGGCAGAAAAAGTGGCCCAGGTGGCTGAGATCACCTACGGGCAGAA[G>A]GTGATGGAGAAGGAGACTGAGAAGAAGATTTCAGAAATTGAAGGTAAGCAGAAGTGGCAG-3'
Protein context (NP_009106.1, residues 222-242): AQVAEITYGQ[Lys232=]VMEKETEKKI

ClinVar aggregate classification (germline): Benign/Likely benign. Review status: criteria provided, multiple submitters, no conflicts (2 of 4 stars). 7 submissions from 7 submitters: Benign (4); Likely benign (3). Last evaluated 2026-08-01.

Conditions:
Spastic paraplegia. Identifiers: MedGen C0037772, HP:0001258.
Hereditary spastic paraplegia. Also called: Familial spastic paraparesis. Identifiers: Orphanet 685, MedGen C0037773, MONDO:0019064. Disease mechanism: loss of function.

Allele frequency attached by ClinVar (database versions not stated): 1000 Genomes Project 0.00100; 1000 Genomes Project 30x 0.00109; TOPMed 0.00271; gnomAD 0.00311 and 0.00313; gnomAD exomes 0.00315 and 0.00542; ExAC 0.00337; ESP Exome Variant Server 0.00469.
gnomAD v4.1: 8,345 of 1,613,940 alleles (0.52%); highest among the groups gnomAD compares: Non-Finnish European, 0.64%; 27 homozygotes.

Submissions (7):

CeGaT Center for Human Genetics Tuebingen
Classification: Likely benign. Last evaluated: 2026-08-01. Review status: criteria provided, single submitter. Criteria: CeGaT Center For Human Genetics Tuebingen Variant Classification Criteria Version 2. Collection method: clinical testing. Allele origin: germline. Affected: yes. Observed: 21 variant alleles.
Comment: ERLIN2: BP4, BP7, BS2

Labcorp Genetics (formerly Invitae), Labcorp
Classification: Benign for Spastic paraplegia. Last evaluated: 2026-01-05. Review status: criteria provided, single submitter. Criteria: Invitae Variant Classification Sherloc (09022015). Collection method: clinical testing. Allele origin: germline.

Genome Diagnostics Laboratory, The Hospital for Sick Children
Classification: Benign for Hereditary spastic paraplegia. Last evaluated: 2021-10-21. Review status: criteria provided, single submitter. Criteria: ACMG Guidelines, 2015. Collection method: clinical testing. Allele origin: germline. Affected: yes.

Mayo Clinic Laboratories, Mayo Clinic
Classification: Benign. Last evaluated: 2021-07-30. Review status: criteria provided, single submitter. Criteria: ACMG Guidelines, 2015. Collection method: clinical testing. Allele origin: germline. Observed: 11 variant alleles.

GeneDx
Classification: Likely benign. Last evaluated: 2020-08-17. Review status: criteria provided, single submitter. Criteria: GeneDx Variant Classification Process June 2021. Collection method: clinical testing. Allele origin: germline. Affected: yes.

Genetic Services Laboratory, University of Chicago
Classification: Benign for AllHighlyPenetrant. Last evaluated: 2014-03-17. Review status: criteria provided, single submitter. Criteria: ACMG Guidelines, 2007. Collection method: clinical testing. Allele origin: germline. Inheritance: Autosomal recessive inheritance.

Breakthrough Genomics
Classification: Likely benign. Review status: criteria provided, single submitter. Criteria: ACMG Guidelines, 2015. Collection method: not provided. Allele origin: germline. Inheritance: Autosomal recessive inheritance. Affected: yes.